The following is an entry in ClinVar:

ClinVar aggregate classification (germline): Likely pathogenic (1 of 4 stars; one submission).

Conditions:
Lysinuric protein intolerance (LPI). Identifiers: Orphanet 470, MedGen C0268647, MONDO:0009109, OMIM 222700.

Submission:

Natera, Inc.
Classification: Likely pathogenic for Lysinuric protein intolerance. Last evaluated: 2025-03-03. Review status: criteria provided, single submitter. Criteria: Natera Variant Classification Schema (03/2026). Collection method: clinical testing. Allele origin: germline.
Comment: The c.998+1G>A variant in SLC7A7 is a canonical splice donor site variant predicted to affect pre-mRNA splicing, which may result in an abnormal transcript and altered protein product. This variant is expected to result in nonsense mediated decay, truncation, or a dysfunctional protein product. This variant is rare in the general population with a frequency below the threshold expected for the associated phenotype(s). Given the available evidence, this variant is classified as Likely Pathogenic.

NM_003982.4(SLC7A7):c.998+1G>A

Gene: SLC7A7 (solute carrier family 7 member 7; minus strand). Cytogenetic location: 14q11.2.
Variant type: single nucleotide variant.
Coding change: c.998+1G>A on transcript NM_003982.4 (MANE Select); the canonical splice donor site of the intron after coding-DNA position 998, G replaced by A.
Molecular consequence: splice donor variant.
Genome position (GRCh38, 1-based): chr14:22,775,832, C>T on the plus strand (G>A on the coding strand, the complement: SLC7A7 is on the minus strand). VCF-style: chr14-22775832-C-T. GRCh37 (hg19) VCF-style: chr14-23245041-C-T.
Other names: c.998+1G>A (NM_001126106.4, NM_001126105.3).
Identifiers: ClinVar variation 4061904 (VCV004061904.2).